The following is an entry in ClinVar:

ClinVar aggregate classification (germline): Benign/Likely benign. Review status: criteria provided, multiple submitters, no conflicts (2 of 4 stars). 8 submissions from 8 submitters: Benign (5); Likely benign (2). 1 of the submissions does not count toward it. Last evaluated 2026-08-01.

Conditions:
FGFR3-related disorder. Also called: FGFR3-related disorders.

Allele frequency attached by ClinVar (database versions not stated): gnomAD 0.00194 and 0.00201; TOPMed 0.00204; 1000 Genomes Project 0.00260; 1000 Genomes Project 30x 0.00312; gnomAD exomes 0.00047; ExAC 0.00103; ESP Exome Variant Server 0.00147.
gnomAD v4.1: 561 of 1,591,548 alleles (0.035%); highest among the groups gnomAD compares: African/African-American, 0.68%; 2 homozygotes.

Submissions (8):

CeGaT Center for Human Genetics Tuebingen
Classification: Likely benign. Last evaluated: 2026-08-01. Review status: criteria provided, single submitter. Criteria: CeGaT Center For Human Genetics Tuebingen Variant Classification Criteria Version 2. Collection method: clinical testing. Allele origin: germline. Affected: yes. Observed: 1 variant allele.
Comment: FGFR3: BP4, BP7

Women's Health and Genetics/Laboratory Corporation of America, LabCorp
Classification: Benign. Last evaluated: 2026-06-03. Review status: criteria provided, single submitter. Criteria: LabCorp Variant Classification Summary - May 2015. Collection method: clinical testing. Allele origin: germline.
Comment: Variant summary: FGFR3 c.*5C>G is located in the untranslated mRNA region downstream of the termination codon. The variant allele was found at a frequency of 0.00047 in 203624 control chromosomes, predominantly at a frequency of 0.0071 within the African or African-American subpopulation in the gnomAD database, including 1 homozygotes. The observed variant frequency within African or African-American control individuals in the gnomAD database exceeds the estimated maximal expected allele frequency for disease-causing variants in FGFR3. To our knowledge, no occurrence of c.*5C>G in individuals affected with FGFR3-related conditions and no experimental evidence demonstrating its impact on protein function have been reported. ClinVar contains an entry for this variant (Variation ID: 447331). Based on the evidence outlined above, the variant was classified as benign.

Blueprint Genetics
Classification: Benign. Last evaluated: 2024-06-11. Review status: criteria provided, single submitter. Criteria: ACMG Guidelines, 2015. Collection method: clinical testing. Allele origin: germline.

ARUP Laboratories, Molecular Genetics and Genomics, ARUP Laboratories
Classification: Likely benign. Last evaluated: 2024-02-29. Review status: criteria provided, single submitter. Criteria: ARUP Molecular Germline Variant Investigation Process 2024. Collection method: clinical testing. Allele origin: germline.

GeneDx
Classification: Benign. Last evaluated: 2017-06-28. Review status: criteria provided, single submitter. Criteria: GeneDx Variant Classification Process June 2021. Collection method: clinical testing. Allele origin: germline. Affected: yes.

Athena Diagnostics
Classification: Benign. Last evaluated: 2016-11-22. Review status: criteria provided, single submitter. Criteria: Athena Diagnostics Criteria. Collection method: clinical testing. Allele origin: germline.

Breakthrough Genomics
Classification: Benign. Review status: criteria provided, single submitter. Criteria: ACMG Guidelines, 2015. Collection method: not provided. Allele origin: germline. Inheritance: Autosomal dominant inheritance. Affected: yes.

PreventionGenetics, part of Exact Sciences
Classification: Likely benign for FGFR3-related condition. Last evaluated: 2021-03-11. Review status: no assertion criteria provided. Collection method: clinical testing. Allele origin: germline. Not counted in ClinVar's aggregate classification.
Comment: This variant is classified as likely benign based on ACMG/AMP sequence variant interpretation guidelines (Richards et al. 2015 PMID: 25741868, with internal and published modifications).

NM_000142.5(FGFR3):c.*5C>G

Gene: FGFR3 (fibroblast growth factor receptor 3; plus strand). Cytogenetic location: 4p16.3.
Variant type: single nucleotide variant.
Coding change: c.*5C>G on transcript NM_000142.5 (MANE Select); 5 bases downstream of the stop codon, C replaced by G.
Molecular consequence: 3 prime UTR variant. On other transcripts: synonymous variant (1), non-coding transcript variant (1).
Genome position (GRCh38, 1-based): chr4:1,807,267, C>G. VCF-style: chr4-1807267-C-G. GRCh37 (hg19) VCF-style: chr4-1808994-C-G.
Other names: c.*5C>G (NM_001163213.2, NM_001354809.2, NM_022965.4); c.2358C>G, p.Gly786= (NM_001354810.2); c.2358C>G (NM_001354810.1).
Identifiers: ClinVar variation 447331 (VCV000447331.11), dbSNP rs17879364, ClinGen allele CA2810874.
Genomic context (GRCh38, chr4:1,807,267, plus strand): 5'-TTGCCCACGACCTGCTGCCCCCGGCCCCACCCAGCAGTGGGGGCTCGCGGACGTGAAGGG[C>G]CACTGGTCCCCAACAATGTGAGGGGTCCCTAGCAGCCCACCCTGCTGCTGGTGCACAGCC-3'